The following is an entry in ClinVar:

ClinVar aggregate classification (germline): Likely benign (1 of 4 stars; one submission).

Conditions:
SCYL1-related disorder. Also called: SCYL1-related condition.

gnomAD v4.1: 13 of 1,614,160 alleles (0.00081%); highest among the groups gnomAD compares: South Asian, 0.0022%; no homozygotes.

Submission:

PreventionGenetics, part of Exact Sciences
Classification: Likely benign for SCYL1-related condition. Last evaluated: 2026-08-28. Review status: criteria provided, single submitter. Criteria: ACMG Guidelines, 2015. Collection method: clinical testing. Allele origin: germline.
Comment: This variant is classified as likely benign based on ACMG/AMP sequence variant interpretation guidelines (Richards et al. 2015 PMID: 25741868, with internal and published modifications).

NM_020680.4(SCYL1):c.1053C>T (p.Ile351=)

Gene: SCYL1 (SCY1 like pseudokinase 1; plus strand). Cytogenetic location: 11q13.1.
Variant type: single nucleotide variant.
Coding change: c.1053C>T on transcript NM_020680.4 (MANE Select); coding-DNA position 1053, C replaced by T.
Protein change: p.Ile351=; no amino-acid change (isoleucine 351 retained).
Molecular consequence: synonymous variant.
Genome position (GRCh38, 1-based): chr11:65,531,620, C>T. VCF-style: chr11-65531620-C-T. GRCh37 (hg19) VCF-style: chr11-65299091-C-T.
Other names: c.1053C>T, p.Ile351= (NM_001048218.2, NM_001411022.1, NM_001425179.1 and 18 more transcripts); c.1050C>T, p.Ile350= (NM_001425180.1, NM_001425183.1); c.969C>T, p.Ile323= (NM_001425189.1); c.798C>T, p.Ile266= (NM_001425199.1); c.789C>T, p.Ile263= (NM_001425200.1); c.624C>T, p.Ile208= (NM_001425203.1, NM_001425204.1, NM_001425205.1 and 2 more transcripts); c.441C>T, p.Ile147= (NM_001425208.1, NM_001425209.1, NM_001425210.1 and 1 more transcripts).
Identifiers: ClinVar variation 4983860 (VCV004983860.1).